The following is an entry in ClinVar:

NM_006031.6(PCNT):c.4962+91G>A

Gene: PCNT (pericentrin; plus strand). Cytogenetic location: 21q22.3.
Variant type: single nucleotide variant.
Coding change: c.4962+91G>A on transcript NM_006031.6 (MANE Select); 91 bases into the intron after coding-DNA position 4962, G replaced by A.
Molecular consequence: intron variant.
Genome position (GRCh38, 1-based): chr21:46,401,812, G>A. VCF-style: chr21-46401812-G-A. GRCh37 (hg19) VCF-style: chr21-47821726-G-A.
Other names: c.4608+91G>A (NM_001315529.2).
Identifiers: ClinVar variation 667805 (VCV000667805.2), dbSNP rs2839241, ClinGen allele CA14865587.
Genomic context (GRCh38, chr21:46,401,812, plus strand): 5'-AGCCCTGGGTCAGTGTCCAGTGGGCTTCTCTGTGGCAGATCCGATGTCCAGATAACACAG[G>A]CGATGGGCTTGTGACCACTGTGTATTCTTTTCTTTTCTTTTTTTTGTTGTTGTTTGAGAC-3'

ClinVar aggregate classification (germline): Benign. Review status: criteria provided, multiple submitters, no conflicts (2 of 4 stars). 2 submissions from 2 submitters: Benign (2). Last evaluated 2018-06-16.

Allele frequency attached by ClinVar (database versions not stated): 1000 Genomes Project 30x 0.32839; 1000 Genomes Project 0.33107; gnomAD 0.35834 and 0.35883; TOPMed 0.35885; gnomAD exomes 0.40695.
gnomAD v4.1: 483,646 of 1,205,546 alleles (40%); highest among the groups gnomAD compares: Middle Eastern, 49%; 100,350 homozygotes.

Submissions (2):

GeneDx
Classification: Benign. Last evaluated: 2018-06-16. Review status: criteria provided, single submitter. Criteria: GeneDx Variant Classification (06012015). Collection method: clinical testing. Allele origin: germline. Affected: yes.
Comment: This variant is considered likely benign or benign based on one or more of the following criteria: it is a conservative change, it occurs at a poorly conserved position in the protein, it is predicted to be benign by multiple in silico algorithms, and/or has population frequency not consistent with disease.

Breakthrough Genomics
Classification: Benign. Review status: criteria provided, single submitter. Criteria: ACMG Guidelines, 2015. Collection method: not provided. Allele origin: germline. Inheritance: Autosomal recessive inheritance. Affected: yes.